The following is an entry in ClinVar:

NM_001291303.3(FAT4):c.8627G>C (p.Arg2876Thr)

Gene: FAT4 (FAT atypical cadherin 4; plus strand). Cytogenetic location: 4q28.1.
Variant type: single nucleotide variant.
Coding change: c.8627G>C on transcript NM_001291303.3 (MANE Select); coding-DNA position 8627, G replaced by C.
Protein change: p.Arg2876Thr; replaces arginine 2876 with threonine.
Molecular consequence: missense variant.
Genome position (GRCh38, 1-based): chr4:125,449,637, G>C. VCF-style: chr4-125449637-G-C. GRCh37 (hg19) VCF-style: chr4-126370792-G-C.
Other names: c.8627G>C, p.Arg2876Thr (NM_001291285.3); c.8621G>C, p.Arg2874Thr (NM_024582.6); short protein forms R2876T, R2874T.
Identifiers: ClinVar variation 1463347 (VCV001463347.5), dbSNP rs751105645, ClinGen allele CA3073404.

ClinVar aggregate classification (germline): Uncertain significance (1 of 4 stars; one submission).

Allele frequency attached by ClinVar (database versions not stated): gnomAD exomes below 0.00001 and 0.00001; ExAC 0.00001; gnomAD 0.00001; TOPMed 0.00001.
gnomAD v4.1: 10 of 1,613,768 alleles (0.00062%); highest among the groups gnomAD compares: Non-Finnish European, 0.00085%; no homozygotes.

Submission:

Labcorp Genetics (formerly Invitae), Labcorp
Classification: Uncertain significance. Last evaluated: 2022-07-12. Review status: criteria provided, single submitter. Criteria: Invitae Variant Classification Sherloc (09022015). Collection method: clinical testing. Allele origin: germline.
Comment: This sequence change replaces arginine, which is basic and polar, with threonine, which is neutral and polar, at codon 2874 of the FAT4 protein (p.Arg2874Thr). This variant is present in population databases (rs751105645, gnomAD 0.002%). This variant has not been reported in the literature in individuals affected with FAT4-related conditions. ClinVar contains an entry for this variant (Variation ID: 1463347). Advanced modeling of protein sequence and biophysical properties (such as structural, functional, and spatial information, amino acid conservation, physicochemical variation, residue mobility, and thermodynamic stability) performed at Invitae indicates that this missense variant is not expected to disrupt FAT4 protein function. In summary, the available evidence is currently insufficient to determine the role of this variant in disease. Therefore, it has been classified as a Variant of Uncertain Significance.